The following is an entry in ClinVar:

NM_024753.5(TTC21B):c.3664C>T (p.Arg1222Trp)

Gene: TTC21B (tetratricopeptide repeat domain 21B; minus strand). Cytogenetic location: 2q24.3.
Variant type: single nucleotide variant.
Coding change: c.3664C>T on transcript NM_024753.5 (MANE Select); coding-DNA position 3664, C replaced by T.
Protein change: p.Arg1222Trp; replaces arginine 1222 with tryptophan.
Molecular consequence: missense variant.
Genome position (GRCh38, 1-based): chr2:165,883,814, G>A on the plus strand (C>T on the coding strand, the complement: TTC21B is on the minus strand). VCF-style: chr2-165883814-G-A. GRCh37 (hg19) VCF-style: chr2-166740324-G-A.
Other names: c.3664C>T (NM_024753.4); short protein forms R1222W.
Identifiers: ClinVar variation 1077010 (VCV001077010.5), dbSNP rs749330118, ClinGen allele CA1941458.

ClinVar aggregate classification (germline): Conflicting classifications of pathogenicity. Review status: criteria provided, conflicting classifications (1 of 4 stars). 4 submissions from 4 submitters: Likely pathogenic (1); Uncertain significance (2). 1 of the submissions does not count toward it. Last evaluated 2025-11-23.

Conditions:
TTC21B-related disorder. Also called: TTC21B-related disorders; TTC21B-related condition.
Nephronophthisis 12 (NPHP12). Identifiers: Orphanet 655, MedGen C3151186, MONDO:0013442, OMIM 613820.

Allele frequency attached by ClinVar (database versions not stated): gnomAD exomes 0.00001 and 0.00003; TOPMed 0.00001; ExAC 0.00003; gnomAD 0.00003.
gnomAD v4.1: 26 of 1,613,562 alleles (0.0016%); highest among the groups gnomAD compares: Admixed American, 0.0067%; no homozygotes.

Submissions (4):

Dasa
Classification: Uncertain significance. Last evaluated: 2025-11-23. Review status: criteria provided, single submitter. Criteria: DASA Assertion Criteria. Collection method: clinical testing. Allele origin: germline.
Comment: NM_024753.5(TTC21B):c.3664C>T (p.Arg1222Trp) is a missense variant that results in the substitution of arginine with tryptophan. This variant has been reported in individuals with TTC21B-related disorders (PMID: 34215756). Also, this variant is rare in population databases. Computational prediction algorithms are consistent with a deleterious effect. The currently available literature and clinical evidence are not sufficient to establish a definitive association between this variant and the reported condition. Therefore, this variant is classified as a variant of uncertain significance.

Blueprint Genetics
Classification: Uncertain significance. Last evaluated: 2024-08-29. Review status: criteria provided, single submitter. Criteria: ACMG Guidelines, 2015. Collection method: clinical testing. Allele origin: germline.

Precision Medicine Center, Zhengzhou University
Classification: Likely pathogenic for Nephronophthisis 12. Review status: criteria provided, single submitter. Criteria: ACMG Guidelines, 2015. Collection method: research. Allele origin: germline. Affected: yes.
Comment: PM2:not found in gnomAD PP1:Cosegregation with disease in multiple affected family members PP3:Multiple lines of computational evidence support a deleterious effect on the gene or gene product PP4:Patient's phenotype is highly specific for a disease PP5:Reputable source recently reports variant as pathogenic

PreventionGenetics, part of Exact Sciences
Classification: Uncertain significance for TTC21B-related condition. Last evaluated: 2024-07-17. Review status: no assertion criteria provided. Collection method: clinical testing. Allele origin: germline. Not counted in ClinVar's aggregate classification.
Comment: The TTC21B c.3664C>T variant is predicted to result in the amino acid substitution p.Arg1222Trp. This variant was reported in the compound heterozygous state with a likely benign variant, defined as c.256A>C (p.Asn86His), in an individual with focal segmental glomerulosclerosis (FSGS) (Table 1 of Wang et al. 2021. PubMed ID: 34215756). This variant is reported in 0.0085% of alleles in individuals of Latino descent in gnomAD. At this time, the clinical significance of this variant is uncertain due to the absence of conclusive functional and genetic evidence.

Literature cited by the submitters: PubMed 34215756 (cited by Dasa).